The following is an entry in ClinVar:

ClinVar aggregate classification (germline): Pathogenic. Review status: criteria provided, multiple submitters, no conflicts (2 of 4 stars). 2 submissions from 2 submitters: Pathogenic (2). Last evaluated 2026-04-10.

Conditions:
Osteopathia striata with cranial sclerosis (OSCS). Also called: HYPEROSTOSIS GENERALISATA WITH STRIATIONS. Identifiers: Orphanet 2780, MedGen C0432268, MONDO:0010310, OMIM 300373.

Submissions (2):

Foundation for Research in Genetics and Endocrinology, FRIGE's Institute of Human Genetics
Classification: Pathogenic for Osteopathia striata with cranial sclerosis. Last evaluated: 2026-04-10. Review status: criteria provided, single submitter. Criteria: ACMG Guidelines, 2015. Collection method: clinical testing. Allele origin: germline. Inheritance: X-linked inheritance. Affected: yes. Observed: 1 variant allele, 1 heterozygote.
Comment: A heterozygous nonsense variant in exon 2 of the AMER1 gene that results in a stop codon and premature truncation of the protein at codon 335 (p.Gln335Ter) was detected. This variant has not been reported in the 1000 genomes and gnomAD database. This variant has been previously reported in a patient affected with Osteopathia striata with cranial sclerosis (Changhoon Jeong 2021). In summary the variant meets our criteria to be classified as pathogenic.

Labcorp Genetics (formerly Invitae), Labcorp
Classification: Pathogenic. Last evaluated: 2026-01-01. Review status: criteria provided, single submitter. Criteria: Invitae Variant Classification Sherloc (09022015). Collection method: clinical testing. Allele origin: germline.
Comment: This sequence change creates a premature translational stop signal (p.Gln335*) in the AMER1 gene. While this is not anticipated to result in nonsense mediated decay, it is expected to disrupt the last 801 amino acid(s) of the AMER1 protein. This variant is not present in population databases (gnomAD no frequency). This premature translational stop signal has been observed in individuals with osteopathia striata with cranial sclerosis (PMID: 34622833; internal data). This variant disrupts a region of the AMER1 protein in which other variant(s) (p.Arg497*) have been determined to be pathogenic (PMID: 19079258, 22043478). This suggests that this is a clinically significant region of the protein, and that variants that disrupt it are likely to be disease-causing. For these reasons, this variant has been classified as Pathogenic.

Literature cited by the submitters: PubMed 34622833 (cited by Labcorp Genetics (formerly Invitae), Labcorp); PubMed 19079258 (cited by Labcorp Genetics (formerly Invitae), Labcorp); PubMed 22043478 (cited by Labcorp Genetics (formerly Invitae), Labcorp).

NM_152424.4(AMER1):c.1003C>T (p.Gln335Ter)

Gene: AMER1 (APC membrane recruitment protein 1; minus strand). Cytogenetic location: Xq11.2.
Variant type: single nucleotide variant.
Coding change: c.1003C>T on transcript NM_152424.4 (MANE Select); coding-DNA position 1003, C replaced by T.
Protein change: p.Gln335Ter; replaces glutamine 335 with a stop codon.
Molecular consequence: nonsense.
Genome position (GRCh38, 1-based): chrX:64,192,284, G>A on the plus strand (C>T on the coding strand, the complement: AMER1 is on the minus strand). VCF-style: chrX-64192284-G-A. GRCh37 (hg19) VCF-style: chrX-63412164-G-A.
Other names: p.Gln335Ter; short protein forms Q335*.
Identifiers: ClinVar variation 4710852 (VCV004710852.2).